The following is an entry in ClinVar:

ClinVar aggregate classification (germline): Uncertain significance. Review status: criteria provided, multiple submitters, no conflicts (2 of 4 stars). 2 submissions from 2 submitters: Uncertain significance (2). Last evaluated 2024-12-16.

Conditions:
Inborn genetic diseases. Identifiers: MedGen C0950123, MeSH D030342.
Fanconi anemia (FA). Also called: Fanconi's anemia. Identifiers: Orphanet 84, MedGen C0015625, MeSH D005199, MONDO:0019391.

Submissions (2):

Ambry Genetics
Classification: Uncertain significance for Inborn genetic diseases. Last evaluated: 2024-12-16. Review status: criteria provided, single submitter. Criteria: Ambry Variant Classification Scheme 2023. Collection method: clinical testing. Allele origin: germline.
Comment: The p.E723K variant (also known as c.2167G>A), located in coding exon 13 of the FANCM gene, results from a G to A substitution at nucleotide position 2167. The glutamic acid at codon 723 is replaced by lysine, an amino acid with similar properties. This amino acid position is conserved. In addition, this alteration is predicted to be tolerated by in silico analysis. Based on the available evidence, the clinical significance of this variant remains unclear.

Labcorp Genetics (formerly Invitae), Labcorp
Classification: Uncertain significance for Fanconi anemia. Last evaluated: 2024-03-26. Review status: criteria provided, single submitter. Criteria: Invitae Variant Classification Sherloc (09022015). Collection method: clinical testing. Allele origin: germline.
Comment: This sequence change replaces glutamic acid, which is acidic and polar, with lysine, which is basic and polar, at codon 723 of the FANCM protein (p.Glu723Lys). This variant is not present in population databases (gnomAD no frequency). This variant has not been reported in the literature in individuals affected with FANCM-related conditions. An algorithm developed to predict the effect of missense changes on protein structure and function (PolyPhen-2) suggests that this variant is likely to be tolerated. In summary, the available evidence is currently insufficient to determine the role of this variant in disease. Therefore, it has been classified as a Variant of Uncertain Significance.

NM_020937.4(FANCM):c.2167G>A (p.Glu723Lys)

Gene: FANCM (FA complementation group M; plus strand). Cytogenetic location: 14q21.2.
Variant type: single nucleotide variant.
Coding change: c.2167G>A on transcript NM_020937.4 (MANE Select); coding-DNA position 2167, G replaced by A.
Protein change: p.Glu723Lys; replaces glutamic acid 723 with lysine.
Molecular consequence: missense variant.
Genome position (GRCh38, 1-based): chr14:45,173,061, G>A. VCF-style: chr14-45173061-G-A. GRCh37 (hg19) VCF-style: chr14-45642264-G-A.
Other names: c.2089G>A, p.Glu697Lys (NM_001308133.2); short protein forms E723K, E697K.
Identifiers: ClinVar variation 2901855 (VCV002901855.4), dbSNP rs2503172204, ClinGen allele CA389596594.